The following is an entry in ClinVar:

ClinVar aggregate classification (germline): Uncertain significance (1 of 4 stars; one submission).

Submission:

Labcorp Genetics (formerly Invitae), Labcorp
Classification: Uncertain significance. Last evaluated: 2022-01-14. Review status: criteria provided, single submitter. Criteria: Invitae Variant Classification Sherloc (09022015). Collection method: clinical testing. Allele origin: germline.
Comment: Variants that disrupt the consensus splice site are a relatively common cause of aberrant splicing (PMID: 17576681, 9536098). Algorithms developed to predict the effect of sequence changes on RNA splicing suggest that this variant may disrupt the consensus splice site. In summary, the available evidence is currently insufficient to determine the role of this variant in disease. Therefore, it has been classified as a Variant of Uncertain Significance. This variant has not been reported in the literature in individuals affected with SETD5-related conditions. This variant is not present in population databases (gnomAD no frequency). This sequence change falls in intron 4 of the SETD5 gene. It does not directly change the encoded amino acid sequence of the SETD5 protein. It affects a nucleotide within the consensus splice site.

Literature cited by the submitters: PubMed 17576681; PubMed 9536098.

NM_001080517.3(SETD5):c.178-3C>G

Gene: SETD5 (SET domain containing 5; plus strand). Cytogenetic location: 3p25.3.
Variant type: single nucleotide variant.
Coding change: c.178-3C>G on transcript NM_001080517.3 (MANE Select); 3 bases into the intron before coding-DNA position 178, C replaced by G.
Molecular consequence: intron variant.
Genome position (GRCh38, 1-based): chr3:9,434,331, C>G. VCF-style: chr3-9434331-C-G. GRCh37 (hg19) VCF-style: chr3-9476015-C-G.
Other names: c.-197-3C>G (NM_001349451.2); c.-156-3C>G (NM_001292043.2).
Identifiers: ClinVar variation 1501131 (VCV001501131.6), dbSNP rs2125095922, ClinGen allele CA351682378.